The following is an entry in ClinVar:

NM_000256.3(MYBPC3):c.3490G>C (p.Gly1164Arg)

Gene: MYBPC3 (myosin binding protein C3; minus strand). Cytogenetic location: 11p11.2.
Variant type: single nucleotide variant.
Coding change: c.3490G>C on transcript NM_000256.3 (MANE Select); coding-DNA position 3490, G replaced by C.
Protein change: p.Gly1164Arg; replaces glycine 1164 with arginine.
Molecular consequence: missense variant.
Genome position (GRCh38, 1-based): chr11:47,332,814, C>G on the plus strand (G>C on the coding strand, the complement: MYBPC3 is on the minus strand). VCF-style: chr11-47332814-C-G. GRCh37 (hg19) VCF-style: chr11-47354365-C-G.
Other names: short protein forms G1164R.
Identifiers: ClinVar variation 920667 (VCV000920667.3), dbSNP rs2095878486, ClinGen allele CA380313003.

ClinVar aggregate classification (germline): Uncertain significance (1 of 4 stars; one submission).

Conditions:
Cardiomyopathy (CMYO). Also called: Cardiomyopathies. Identifiers: Orphanet 167848, MedGen C0878544, MONDO:0004994, HP:0001638. Inheritance: Various modes of inheritance.

Submission:

Color Diagnostics, LLC DBA Color Health
Classification: Uncertain significance for Cardiomyopathy. Last evaluated: 2020-02-20. Review status: criteria provided, single submitter. Criteria: ACMG Guidelines, 2015. Collection method: clinical testing. Allele origin: germline.
Comment: This variant causes a G>C nucleotide substitution at the last nucleotide of exon 31 of the MYBPC3 gene and replaces glycine with arginine at codon 1164 of the MYBPC3 protein. Computational prediction is inconclusive regarding the impact of this variant on protein structure and function (internally defined REVEL score threshold 0.5 < inconclusive < 0.7, PMID: 27666373). Splice site prediction tools suggest that this variant may have a significant impact on RNA splicing; however, this prediction has not been confirmed in published RNA studies. To our knowledge, functional studies have not been performed for this variant. This variant has not been reported in individuals affected with cardiovascular disorders in the literature. This variant has not been identified in the general population by the Genome Aggregation Database (gnomAD). The available evidence is insufficient to determine the role of this variant in disease conclusively. Therefore, this variant is classified as a Variant of Uncertain Significance.